The following is an entry in ClinVar:

NM_006311.4(NCOR1):c.4900G>A (p.Gly1634Arg)

Gene: NCOR1 (nuclear receptor corepressor 1; minus strand). Cytogenetic location: 17p12.
Variant type: single nucleotide variant.
Coding change: c.4900G>A on transcript NM_006311.4 (MANE Select); coding-DNA position 4900, G replaced by A.
Protein change: p.Gly1634Arg; replaces glycine 1634 with arginine.
Molecular consequence: missense variant.
Genome position (GRCh38, 1-based): chr17:16,065,536, C>T on the plus strand (G>A on the coding strand, the complement: NCOR1 is on the minus strand). VCF-style: chr17-16065536-C-T. GRCh37 (hg19) VCF-style: chr17-15968850-C-T.
Other names: c.4948G>A, p.Gly1650Arg (NM_001190440.2); short protein forms G1634R, G1650R.
Identifiers: ClinVar variation 3350077 (VCV003350077.1).

ClinVar aggregate classification (germline): Uncertain significance (0 of 4 stars; one submission).

Conditions:
NCOR1-related disorder. Also called: NCOR1-related condition.

Submission:

PreventionGenetics, part of Exact Sciences
Classification: Uncertain significance for NCOR1-related condition. Last evaluated: 2024-04-16. Review status: no assertion criteria provided. Collection method: clinical testing. Allele origin: germline.
Comment: The NCOR1 c.4900G>A variant is predicted to result in the amino acid substitution p.Gly1634Arg. To our knowledge, this variant has not been reported in the literature or in a large population database, indicating this variant is rare. At this time, the clinical significance of this variant is uncertain due to the absence of conclusive functional and genetic evidence.